The following is an entry in ClinVar:

NM_000628.5(IL10RB):c.435G>A (p.Met145Ile)

Genes: IFNAR2-IL10RB (IFNAR2-IL10RB readthrough; plus strand), IL10RB (interleukin 10 receptor subunit beta; plus strand). Cytogenetic location: 21q22.11.
Variant type: single nucleotide variant.
Coding change: c.435G>A on transcript NM_000628.5 (MANE Select); coding-DNA position 435, G replaced by A.
Protein change: p.Met145Ile; replaces methionine 145 with isoleucine.
Molecular consequence: missense variant. On other transcripts: non-coding transcript variant (1).
Genome position (GRCh38, 1-based): chr21:33,279,855, G>A. VCF-style: chr21-33279855-G-A. GRCh37 (hg19) VCF-style: chr21-34652160-G-A.
Other names: c.1095G>A, p.Met365Ile (NM_001414505.1); c.435G>A, p.Met145Ile (NM_001405849.1, NM_001405850.1, NM_001406840.1); short protein forms M145I, M365I.
Identifiers: ClinVar variation 2500044 (VCV002500044.2), dbSNP rs149554130, ClinGen allele CA10006140.

ClinVar aggregate classification (germline): Uncertain significance (1 of 4 stars; one submission).

Conditions:
Inflammatory bowel disease 25. Also called: Inflammatory bowel disease 25, early onset, autosomal recessive. Identifiers: Orphanet 238569, MedGen C2675508, MONDO:0012941, OMIM 612567.
Hepatitis B virus, susceptibility to. Also called: HBV, SUSCEPTIBILITY TO. Identifiers: MedGen C1864880, MONDO:0012488, OMIM 610424.

Allele frequency attached by ClinVar (database versions not stated): ExAC 0.00003; TOPMed 0.00003; gnomAD exomes 0.00004; gnomAD 0.00005; ESP Exome Variant Server 0.00008.

Submission:

Center for Genomics, Ann and Robert H. Lurie Children's Hospital of Chicago
Classification: Uncertain significance for Hepatitis B virus, susceptibility to; Inflammatory bowel disease 25. Review status: criteria provided, single submitter. Criteria: ACMG Guidelines, 2015. Collection method: clinical testing. Allele origin: germline.
Comment: This variant has not been reported in the literature but is present in the Genome Aggregation Database (Highest reported MAF 0.008% (6/68036). Evolutionary conservation for this variant is limited or unavailable; computational predictive tools suggest that this variant may not impact the protein. In summary, data on this variant is insufficient for disease classification. Therefore, the clinical significance of this variant is uncertain.